The following is an entry in ClinVar:

ClinVar aggregate classification (germline): Uncertain significance (1 of 4 stars; one submission).

Conditions:
Hereditary cancer-predisposing syndrome. Also called: Neoplastic Syndromes, Hereditary; Hereditary neoplastic syndrome; Tumor predisposition; Hereditary Cancer Syndrome. Identifiers: Orphanet 140162, MedGen C0027672, MeSH D009386, MONDO:0015356.

Submission:

Ambry Genetics
Classification: Uncertain significance for Hereditary cancer-predisposing syndrome. Last evaluated: 2026-02-16. Review status: criteria provided, single submitter. Criteria: Ambry Variant Classification Scheme 2023. Collection method: clinical testing. Allele origin: germline.
Comment: The p.L574R variant (also known as c.1721T>G), located in coding exon 9 of the BRCA1 gene, results from a T to G substitution at nucleotide position 1721. The leucine at codon 574 is replaced by arginine, an amino acid with dissimilar properties. This amino acid position is conserved. In addition, this alteration is predicted to be deleterious by in silico analysis. Based on the available evidence, the clinical significance of this variant remains unclear.

NM_007294.4(BRCA1):c.1721T>G (p.Leu574Arg)

Gene: BRCA1 (BRCA1 DNA repair associated; minus strand). Cytogenetic location: 17q21.31.
Variant type: single nucleotide variant.
Coding change: c.1721T>G on transcript NM_007294.4 (MANE Select); coding-DNA position 1721, T replaced by G.
Protein change: p.Leu574Arg; replaces leucine 574 with arginine.
Molecular consequence: missense variant. On other transcripts: intron variant (137).
Genome position (GRCh38, 1-based): chr17:43,093,810, A>C on the plus strand (T>G on the coding strand, the complement: BRCA1 is on the minus strand). VCF-style: chr17-43093810-A-C. GRCh37 (hg19) VCF-style: chr17-41245827-A-C.
Other names: c.1508T>G, p.Leu503Arg (NM_001407571.1, NM_001407853.1, NM_001407894.1 and 9 more transcripts); c.1721T>G, p.Leu574Arg (NM_001407581.1, NM_001407582.1, NM_001407583.1 and 30 more transcripts); c.1718T>G, p.Leu573Arg (NM_001407587.1, NM_001407590.1, NM_001407591.1 and 22 more transcripts); c.1643T>G, p.Leu548Arg (NM_001407654.1, NM_001407655.1, NM_001407656.1 and 4 more transcripts); c.1640T>G, p.Leu547Arg (NM_001407659.1, NM_001407660.1, NM_001407661.1 and 1 more transcripts); c.1580T>G, p.Leu527Arg (NM_001407727.1, NM_001407728.1, NM_001407729.1 and 29 more transcripts); c.1598T>G, p.Leu533Arg (NM_001407664.1, NM_001407665.1, NM_001407666.1 and 19 more transcripts); c.1595T>G, p.Leu532Arg (NM_001407670.1, NM_001407671.1, NM_001407685.1 and 11 more transcripts); and 40 more; short protein forms L406R, L446R, L463R, L507R, L526R, L532R, L486R, L503R.
Identifiers: ClinVar variation 4824200 (VCV004824200.1).